The following is an entry in ClinVar:

NM_181882.3(PRX):c.3852C>T (p.Ser1284=)

Gene: PRX (periaxin; minus strand). Cytogenetic location: 19q13.2.
Variant type: single nucleotide variant.
Coding change: c.3852C>T on transcript NM_181882.3 (MANE Select); coding-DNA position 3852, C replaced by T.
Protein change: p.Ser1284=; no amino-acid change (serine 1284 retained).
Molecular consequence: synonymous variant. On other transcripts: 3 prime UTR variant (1).
Genome position (GRCh38, 1-based): chr19:40,394,500, G>A on the plus strand (C>T on the coding strand, the complement: PRX is on the minus strand). VCF-style: chr19-40394500-G-A. GRCh37 (hg19) VCF-style: chr19-40900407-G-A.
Other names: c.*4057C>T (NM_020956.2).
Identifiers: ClinVar variation 516517 (VCV000516517.15), dbSNP rs567324732, ClinGen allele CA9443765.

ClinVar aggregate classification (germline): Benign/Likely benign. Review status: criteria provided, multiple submitters, no conflicts (2 of 4 stars). 4 submissions from 4 submitters: Benign (1); Likely benign (3). Last evaluated 2026-01-04.

Conditions:
Inborn genetic diseases. Identifiers: MedGen C0950123, MeSH D030342.
Charcot-Marie-Tooth disease type 4. Also called: Charcot-Marie-Tooth disease, type IV; Charcot-Marie-Tooth, Type 4. Identifiers: Orphanet 64749, MedGen C4082197, MONDO:0018995.

Allele frequency attached by ClinVar (database versions not stated): TOPMed 0.00003; gnomAD 0.00004 and 0.00013; gnomAD exomes 0.00029; 1000 Genomes Project 30x 0.00031; 1000 Genomes Project 0.00040; ExAC 0.00047.
gnomAD v4.1: 283 of 1,599,748 alleles (0.018%); highest among the groups gnomAD compares: South Asian, 0.27%; 4 homozygotes.

Submissions (4):

Labcorp Genetics (formerly Invitae), Labcorp
Classification: Benign for Charcot-Marie-Tooth disease type 4. Last evaluated: 2026-01-04. Review status: criteria provided, single submitter. Criteria: Invitae Variant Classification Sherloc (09022015). Collection method: clinical testing. Allele origin: germline.

ARUP Laboratories, Molecular Genetics and Genomics, ARUP Laboratories
Classification: Likely benign. Last evaluated: 2024-08-06. Review status: criteria provided, single submitter. Criteria: ARUP Molecular Germline Variant Investigation Process 2024. Collection method: clinical testing. Allele origin: germline.

Ambry Genetics
Classification: Likely benign for Inborn genetic diseases. Last evaluated: 2019-07-11. Review status: criteria provided, single submitter. Criteria: Ambry Variant Classification Scheme 2023. Collection method: clinical testing. Allele origin: germline.

GeneDx
Classification: Likely benign. Last evaluated: 2017-11-02. Review status: criteria provided, single submitter. Criteria: GeneDx Variant Classification (06012015). Collection method: clinical testing. Allele origin: germline. Affected: yes.
Comment: This variant is considered likely benign or benign based on one or more of the following criteria: it is a conservative change, it occurs at a poorly conserved position in the protein, it is predicted to be benign by multiple in silico algorithms, and/or has population frequency not consistent with disease.